The following is an entry in ClinVar:

NM_004655.4(AXIN2):c.452C>T (p.Pro151Leu)

Gene: AXIN2 (axin 2; minus strand). Cytogenetic location: 17q24.1.
Variant type: single nucleotide variant.
Coding change: c.452C>T on transcript NM_004655.4 (MANE Select); coding-DNA position 452, C replaced by T.
Protein change: p.Pro151Leu; replaces proline 151 with leucine.
Molecular consequence: missense variant.
Genome position (GRCh38, 1-based): chr17:65,558,169, G>A on the plus strand (C>T on the coding strand, the complement: AXIN2 is on the minus strand). VCF-style: chr17-65558169-G-A. GRCh37 (hg19) VCF-style: chr17-63554287-G-A.
Other names: c.452C>T, p.Pro151Leu (NM_001363813.1); short protein forms P151L.
Identifiers: ClinVar variation 5032616 (VCV005032616.1).
Genomic context (GRCh38, chr17:65,558,169, plus strand): 5'-AACATGATGGAATCAATCTGCTGCTTCTTGATGCCATCTCTTATGTAGGTCTTGGTGGCA[G>A]GCTTCAGCTGCTTGGAGACAATGCTGTTGTTCTCAATGTACCTTTTGTAGATCGCTTTGG-3'
Protein context (NP_004646.3, residues 141-161): NNSIVSKQLK[Pro151Leu]ATKTYIRDGI

ClinVar aggregate classification (germline): Uncertain significance (1 of 4 stars; one submission).

Conditions:
Hereditary cancer-predisposing syndrome. Also called: Neoplastic Syndromes, Hereditary; Tumor predisposition; Hereditary neoplastic syndrome; Hereditary Cancer Syndrome. Identifiers: Orphanet 140162, MedGen C0027672, MeSH D009386, MONDO:0015356.

Submission:

Ambry Genetics
Classification: Uncertain significance for Hereditary cancer-predisposing syndrome. Last evaluated: 2026-07-07. Review status: criteria provided, single submitter. Criteria: Ambry Variant Classification Scheme 2023. Collection method: clinical testing. Allele origin: germline.
Comment: The p.P151L variant (also known as c.452C>T), located in coding exon 1 of the AXIN2 gene, results from a C to T substitution at nucleotide position 452. The proline at codon 151 is replaced by leucine, an amino acid with similar properties. This amino acid position is conserved. In addition, the in silico prediction for this alteration is inconclusive. Based on the available evidence, the clinical significance of this variant remains unclear.